The following is an entry in ClinVar:

NM_018486.3(HDAC8):c.943T>A (p.Trp315Arg)

Gene: HDAC8 (histone deacetylase 8; minus strand). Cytogenetic location: Xq13.1.
Variant type: single nucleotide variant.
Coding change: c.943T>A on transcript NM_018486.3 (MANE Select); coding-DNA position 943, T replaced by A.
Protein change: p.Trp315Arg; replaces tryptophan 315 with arginine.
Molecular consequence: missense variant. On other transcripts: 3 prime UTR variant (1), non-coding transcript variant (1).
Genome position (GRCh38, 1-based): chrX:72,462,066, A>T on the plus strand (T>A on the coding strand, the complement: HDAC8 is on the minus strand). VCF-style: chrX-72462066-A-T. GRCh37 (hg19) VCF-style: chrX-71681916-A-T.
Other names: c.943T>A, p.Trp315Arg (NM_001410725.1); c.865T>A, p.Trp289Arg (NM_001410727.1); c.670T>A, p.Trp224Arg (NM_001410728.1, NM_001166418.2); c.*23T>A (NM_001410729.1); short protein forms W224R, W289R, W315R.
Identifiers: ClinVar variation 3062087 (VCV003062087.1), dbSNP rs2520356009, ClinGen allele CA413642250.

ClinVar aggregate classification (germline): Likely pathogenic (1 of 4 stars; one submission).

Conditions:
Cornelia de Lange syndrome 5 (CDLS5). Also called: HDAC8-Related Cornelia de Lange Syndrome. Identifiers: Orphanet 199, MedGen C3550903, MONDO:0010471, OMIM 300882.

Submission:

Illumina Laboratory Services, Illumina
Classification: Likely pathogenic for Cornelia de Lange syndrome 5. Last evaluated: 2018-01-05. Review status: criteria provided, single submitter. Criteria: ICSLVariantClassificationCriteria RUGD 01 April 2020. Collection method: clinical testing. Allele origin: unknown.
Comment: The HDAC8 c.943T>A (p.Trp315Arg) variant is a missense variant. A literature search was performed for the gene, cDNA change, and amino acid change. No publications were found based on this search. Control data are unavailable for this variant and it is not found in the Genome Aggregation Database. The variant was found in a de novo state. Based on the available evidence, the c.943T>A (p.Trp315Arg) variant is classified as likely pathogenic for Cornelia de Lange syndrome.